The following is an entry in ClinVar:

NM_014804.3(KIAA0753):c.1104+1G>A

Gene: KIAA0753 (KIAA0753; minus strand). Cytogenetic location: 17p13.1.
Variant type: single nucleotide variant.
Coding change: c.1104+1G>A on transcript NM_014804.3 (MANE Select); the canonical splice donor site of the intron after coding-DNA position 1104, G replaced by A.
Molecular consequence: splice donor variant.
Genome position (GRCh38, 1-based): chr17:6,622,881, C>T on the plus strand (G>A on the coding strand, the complement: KIAA0753 is on the minus strand). VCF-style: chr17-6622881-C-T. GRCh37 (hg19) VCF-style: chr17-6526201-C-T.
Other names: c.207+1G>A (NM_001351225.2); c.1104+1G>A (NM_014804.2).
Identifiers: ClinVar variation 1468622 (VCV001468622.8), dbSNP rs765061108, ClinGen allele CA8330607.
Genomic context (GRCh38, chr17:6,622,881, plus strand): 5'-TAGGTAATAGTAAGCATTACTTCCAATGCACCTCTAACAAAAATTGGAATTAATTCCATA[C>T]CTCAATTTGTTGCAGAATATCTATAACCACATCAGGAACAGAAGGGTCTGCATCCAGCTT-3'

ClinVar aggregate classification (germline): Likely pathogenic. Review status: criteria provided, multiple submitters, no conflicts (2 of 4 stars). 3 submissions from 3 submitters: Likely pathogenic (3). Last evaluated 2025-08-17.

Conditions:
KIAA0753-related disorder.

Allele frequency attached by ClinVar (database versions not stated): ExAC 0.00006; gnomAD 0.00006 and 0.00007; gnomAD exomes 0.00007; TOPMed 0.00009.
gnomAD v4.1: 202 of 1,609,388 alleles (0.013%); highest among the groups gnomAD compares: Non-Finnish European, 0.016%; no homozygotes.

Submissions (3):

Labcorp Genetics (formerly Invitae), Labcorp
Classification: Likely pathogenic. Last evaluated: 2025-08-17. Review status: criteria provided, single submitter. Criteria: Invitae Variant Classification Sherloc (09022015). Collection method: clinical testing. Allele origin: germline.
Comment: This sequence change affects a donor splice site in intron 6 of the KIAA0753 gene. It is expected to disrupt RNA splicing. Variants that disrupt the donor or acceptor splice site typically lead to a loss of protein function (PMID: 16199547), and loss-of-function variants in KIAA0753 are known to be pathogenic (PMID: 29138412). This variant is present in population databases (rs765061108, gnomAD 0.02%). This variant has not been reported in the literature in individuals affected with KIAA0753-related conditions. ClinVar contains an entry for this variant (Variation ID: 1468622). Algorithms developed to predict the effect of sequence changes on RNA splicing suggest that this variant may disrupt the consensus splice site. In summary, the currently available evidence indicates that the variant is pathogenic, but additional data are needed to prove that conclusively. Therefore, this variant has been classified as Likely Pathogenic.

PreventionGenetics, part of Exact Sciences
Classification: Likely pathogenic for KIAA0753-related condition. Last evaluated: 2024-10-17. Review status: criteria provided, single submitter. Criteria: ACMG Guidelines, 2015. Collection method: clinical testing. Allele origin: germline.
Comment: The KIAA0753 c.1104+1G>A variant is predicted to disrupt the GT donor site and interfere with normal splicing. To our knowledge, this variant has not been reported in the literature. This variant is reported in 0.016% of alleles in individuals of European (Non-Finnish) descent in gnomAD. Variants that disrupt the consensus splice donor site in KIAA0753 are expected to be pathogenic. This variant is interpreted as likely pathogenic.

Blueprint Genetics
Classification: Likely pathogenic for KIAA0753-related disorders. Last evaluated: 2022-09-13. Review status: criteria provided, single submitter. Criteria: ACMG Guidelines, 2015. Collection method: clinical testing. Allele origin: germline. Affected: yes. Observed: 5 variant alleles.

Literature cited by the submitters: PubMed 16199547 (cited by Labcorp Genetics (formerly Invitae), Labcorp); PubMed 29138412 (cited by Labcorp Genetics (formerly Invitae), Labcorp).